The following is an entry in ClinVar:

ClinVar aggregate classification (germline): Likely benign (1 of 4 stars; one submission).

Submission:

CeGaT Center for Human Genetics Tuebingen
Classification: Likely benign. Last evaluated: 2022-12-01. Review status: criteria provided, single submitter. Criteria: CeGaT Center For Human Genetics Tuebingen Variant Classification Criteria Version 2. Collection method: clinical testing. Allele origin: germline. Affected: yes. Observed: 1 variant allele.
Comment: HYDIN: PM2:Supporting, BP4, BP7

NM_001270974.2(HYDIN):c.12333G>A (p.Lys4111=)

Gene: HYDIN (HYDIN axonemal central pair apparatus protein; minus strand). Cytogenetic location: 16q22.2.
Variant type: single nucleotide variant.
Coding change: c.12333G>A on transcript NM_001270974.2 (MANE Select); coding-DNA position 12333, G replaced by A.
Protein change: p.Lys4111=; no amino-acid change (lysine 4111 retained).
Molecular consequence: synonymous variant.
Genome position (GRCh38, 1-based): chr16:70,855,238, C>T on the plus strand (G>A on the coding strand, the complement: HYDIN is on the minus strand). VCF-style: chr16-70855238-C-T. GRCh37 (hg19) VCF-style: chr16-70889141-C-T.
Identifiers: ClinVar variation 2646702 (VCV002646702.24), dbSNP rs2507924739, ClinGen allele CA496242875.